The following is an entry in ClinVar:

NM_001330723.2(SNX27):c.1218C>G (p.Tyr406Ter)

Gene: SNX27 (sorting nexin 27; plus strand). Cytogenetic location: 1q21.3.
Variant type: single nucleotide variant.
Coding change: c.1218C>G on transcript NM_001330723.2 (MANE Select); coding-DNA position 1218, C replaced by G.
Protein change: p.Tyr406Ter; replaces tyrosine 406 with a stop codon.
Molecular consequence: nonsense.
Genome position (GRCh38, 1-based): chr1:151,683,424, C>G. VCF-style: chr1-151683424-C-G. GRCh37 (hg19) VCF-style: chr1-151655900-C-G.
Other names: c.1218C>G, p.Tyr406Ter (NM_030918.6); short protein forms Y406*.
Identifiers: ClinVar variation 531722 (VCV000531722.7), dbSNP rs201966711, ClinGen allele CA341969737.

ClinVar aggregate classification (germline): Pathogenic (1 of 4 stars; one submission).

Conditions:
Severe myoclonic epilepsy in infancy (DRVT). Also called: SEVERE MYOCLONIC EPILEPSY OF INFANCY; DEVELOPMENTAL AND EPILEPTIC ENCEPHALOPATHY 6A; Severe Myoclonic Epilepsy in Infancy (SMEI); Dravet syndrome; Epileptic encephalopathy, early infantile, 6 (Dravet syndrome). Identifiers: Orphanet 33069, MedGen C0751122, MONDO:0100135, OMIM 607208.

gnomAD v4.1: 1 of 1,613,118 alleles (0.000062%); highest among the groups gnomAD compares: South Asian, 0.0011%; no homozygotes.

Submission:

Labcorp Genetics (formerly Invitae), Labcorp
Classification: Pathogenic for Severe myoclonic epilepsy in infancy. Last evaluated: 2017-11-02. Review status: criteria provided, single submitter. Criteria: Invitae Variant Classification Sherloc (09022015). Collection method: clinical testing. Allele origin: germline.
Comment: For these reasons, this variant has been classified as Pathogenic. Loss-of-function variants in SNX27 are known to be pathogenic (PMID: 25894286). This variant has not been reported in the literature in individuals with SNX27-related disease. This variant is not present in population databases (ExAC no frequency). This sequence change creates a premature translational stop signal (p.Tyr406*) in the SNX27 gene. It is expected to result in an absent or disrupted protein product.

Literature cited by the submitters: PubMed 25894286.